The following is an entry in ClinVar:

NM_000196.4(HSD11B2):c.99G>A (p.Pro33=)

Gene: HSD11B2 (hydroxysteroid 11-beta dehydrogenase 2; plus strand). Cytogenetic location: 16q22.1.
Variant type: single nucleotide variant.
Coding change: c.99G>A on transcript NM_000196.4 (MANE Select); coding-DNA position 99, G replaced by A.
Protein change: p.Pro33=; no amino-acid change (proline 33 retained).
Molecular consequence: synonymous variant.
Genome position (GRCh38, 1-based): chr16:67,431,347, G>A. VCF-style: chr16-67431347-G-A. GRCh37 (hg19) VCF-style: chr16-67465250-G-A.
Identifiers: ClinVar variation 2498668 (VCV002498668.29), dbSNP rs1355015569, ClinGen allele CA495970253.

ClinVar aggregate classification (germline): Likely benign. Review status: criteria provided, multiple submitters, no conflicts (2 of 4 stars). 2 submissions from 2 submitters: Likely benign (2). Last evaluated 2025-12-02.

Allele frequency attached by ClinVar (database versions not stated): TOPMed 0.00003; gnomAD 0.00010.
gnomAD v4.1: 70 of 1,239,156 alleles (0.0056%); highest among the groups gnomAD compares: Non-Finnish European, 0.007%; 1 homozygote.

Submissions (2):

Labcorp Genetics (formerly Invitae), Labcorp
Classification: Likely benign. Last evaluated: 2025-12-02. Review status: criteria provided, single submitter. Criteria: Invitae Variant Classification Sherloc (09022015). Collection method: clinical testing. Allele origin: germline.

CeGaT Center for Human Genetics Tuebingen
Classification: Likely benign. Last evaluated: 2023-01-01. Review status: criteria provided, single submitter. Criteria: CeGaT Center For Human Genetics Tuebingen Variant Classification Criteria Version 2. Collection method: clinical testing. Allele origin: germline. Affected: yes. Observed: 1 variant allele.
Comment: HSD11B2: BP4